The following is an entry in ClinVar:

ClinVar aggregate classification (germline): Likely pathogenic (1 of 4 stars; one submission).

Submission:

CeGaT Center for Human Genetics Tuebingen
Classification: Likely pathogenic. Last evaluated: 2025-10-01. Review status: criteria provided, single submitter. Criteria: CeGaT Center For Human Genetics Tuebingen Variant Classification Criteria Version 2. Collection method: clinical testing. Allele origin: germline. Affected: yes. Observed: 1 variant allele.
Comment: TTN: PVS1:Strong, PM2

NM_001267550.2(TTN):c.85174del (p.Ala28392fs)

Genes: TTN (titin; minus strand), TTN-AS1 (TTN antisense RNA 1; plus strand). Cytogenetic location: 2q31.2.
Variant type: Deletion.
Coding change: c.85174del on transcript NM_001267550.2 (MANE Select); coding-DNA position 85174, one base deleted (G; older notation c.85174delG).
Protein change: p.Ala28392fs; shifts the reading frame from alanine 28392.
Molecular consequence: frameshift variant.
Genome position (GRCh38, 1-based): chr2:178,560,958, C deleted on the plus strand (G on the coding strand, the reverse complement: TTN is on the minus strand); the first of 3 consecutive C bases (chr2:178,560,958-178,560,960); deleting any one gives the same sequence. VCF-style (leftmost placement, unchanged base first): chr2-178560957-GC-G. GRCh37 (hg19) VCF-style: chr2-179425684-GC-G.
Other names: c.80251del, p.Ala26751fs (NM_001256850.1); c.57979del, p.Ala19327fs (NM_003319.4); c.77470del, p.Ala25824fs (NM_133378.4); c.58354del, p.Ala19452fs (NM_133432.3); c.58555del, p.Ala19519fs (NM_133437.4); short protein forms A19327fs, A19452fs, A19519fs, A25824fs, A26751fs, A28392fs.
Identifiers: ClinVar variation 4534997 (VCV004534997.6).